The following is an entry in ClinVar:

NM_002693.3(POLG):c.2759C>T (p.Thr920Ile)

Gene: POLG (DNA polymerase gamma, catalytic subunit; minus strand). Cytogenetic location: 15q26.1.
Variant type: single nucleotide variant.
Coding change: c.2759C>T on transcript NM_002693.3 (MANE Select); coding-DNA position 2759, C replaced by T.
Protein change: p.Thr920Ile; replaces threonine 920 with isoleucine.
Molecular consequence: missense variant.
Genome position (GRCh38, 1-based): chr15:89,320,988, G>A on the plus strand (C>T on the coding strand, the complement: POLG is on the minus strand). VCF-style: chr15-89320988-G-A. GRCh37 (hg19) VCF-style: chr15-89864219-G-A.
Other names: c.2759C>T, p.Thr920Ile (NM_001126131.2); short protein forms T920I.
Identifiers: ClinVar variation 4688913 (VCV004688913.1).

ClinVar aggregate classification (germline): Uncertain significance (1 of 4 stars; one submission).

Submission:

Women's Health and Genetics/Laboratory Corporation of America, LabCorp
Classification: Uncertain significance. Last evaluated: 2025-12-22. Review status: criteria provided, single submitter. Criteria: LabCorp Variant Classification Summary - May 2015. Collection method: clinical testing. Allele origin: germline.
Comment: Variant summary: POLG c.2759C>T (p.Thr920Ile) results in a non-conservative amino acid change in the encoded protein sequence. Algorithms developed to predict the effect of missense changes on protein structure and function all suggest that this variant is likely to be disruptive. The variant was absent in 250898 control chromosomes. The available data on variant occurrences in the general population are insufficient to allow any conclusion about variant significance. c.2759C>T has been observed in an individual affected with mitochondrial neurogastrointestinal encephalopathy syndrome (Piekutowska-Abramczuk_2019). These data do not allow any conclusion about variant significance. To our knowledge, no experimental evidence demonstrating an impact on protein function has been reported. The following publication has been ascertained in the context of this evaluation (PMID: 30423451). No submitters have cited clinical-significance assessments for this variant to ClinVar. Based on the evidence outlined above, the variant was classified as uncertain significance.

Literature cited by the submitters: PubMed 30423451.